The following is an entry in ClinVar:

ClinVar aggregate classification (germline): Conflicting classifications of pathogenicity. Review status: criteria provided, conflicting classifications (1 of 4 stars). 4 submissions from 4 submitters: Uncertain significance (1); Benign (1); Likely benign (2). Last evaluated 2025-07-21.

Conditions:
Exudative vitreoretinopathy 1 (EVR1). Also called: CRISWICK-SCHEPENS SYNDROME; FEVR, AUTOSOMAL DOMINANT; Familial exudative vitreoretinopathy, autosomal dominant. Identifiers: Orphanet 891, Orphanet 90050, MedGen C1851402, MONDO:0007589, OMIM 133780.

Allele frequency attached by ClinVar (database versions not stated): gnomAD 0.00010; ExAC 0.00017; gnomAD exomes 0.00017; TOPMed 0.00024; 1000 Genomes Project 30x 0.00094; 1000 Genomes Project 0.00100.
gnomAD v4.1: 144 of 1,614,076 alleles (0.0089%); highest among the groups gnomAD compares: East Asian, 0.31%; no homozygotes.

Submissions (4):

Labcorp Genetics (formerly Invitae), Labcorp
Classification: Likely benign. Last evaluated: 2025-07-21. Review status: criteria provided, single submitter. Criteria: Invitae Variant Classification Sherloc (09022015). Collection method: clinical testing. Allele origin: germline.

Blueprint Genetics
Classification: Likely benign. Last evaluated: 2024-06-17. Review status: criteria provided, single submitter. Criteria: ACMG Guidelines, 2015. Collection method: clinical testing. Allele origin: germline.

Mendelics
Classification: Uncertain significance. Last evaluated: 2022-05-04. Review status: criteria provided, single submitter. Criteria: Mendelics Assertion Criteria 2019. Collection method: clinical testing. Allele origin: germline.

Illumina Laboratory Services, Illumina
Classification: Benign for Exudative vitreoretinopathy 1. Last evaluated: 2018-01-12. Review status: criteria provided, single submitter. Criteria: ICSL Variant Classification Criteria 13 December 2019. Collection method: clinical testing. Allele origin: germline.
Comment: This variant was observed in the ICSL laboratory as part of a predisposition screen in an ostensibly healthy population. It had not been previously curated by ICSL or reported in the Human Gene Mutation Database (HGMD: prior to June 1st, 2018), and was therefore a candidate for classification through an automated scoring system. Utilizing variant allele frequency, disease prevalence and penetrance estimates, and inheritance mode, an automated score was calculated to assess if this variant is too frequent to cause the disease. Based on the score and internal cut-off values, a variant classified as benign is not then subjected to further curation. The score for this variant resulted in a classification of benign for this disease.

NM_012193.4(FZD4):c.1589G>A (p.Gly530Glu)

Genes: FZD4 (frizzled class receptor 4; minus strand), PRSS23 (serine protease 23; plus strand). Cytogenetic location: 11q14.2.
Variant type: single nucleotide variant.
Coding change: c.1589G>A on transcript NM_012193.4 (MANE Select); coding-DNA position 1589, G replaced by A.
Protein change: p.Gly530Glu; replaces glycine 530 with glutamic acid.
Molecular consequence: missense variant.
Genome position (GRCh38, 1-based): chr11:86,951,167, C>T on the plus strand (G>A on the coding strand, the complement: FZD4 is on the minus strand). VCF-style: chr11-86951167-C-T. GRCh37 (hg19) VCF-style: chr11-86662209-C-T.
Other names: short protein forms G530E.
Identifiers: ClinVar variation 306402 (VCV000306402.15), dbSNP rs201256460, ClinGen allele CA6218288.